The following is an entry in ClinVar:

ClinVar aggregate classification (germline): Uncertain significance (1 of 4 stars; one submission).

Submission:

GeneDx
Classification: Uncertain significance. Last evaluated: 2025-04-03. Review status: criteria provided, single submitter. Criteria: GeneDx Variant Classification Process June 2021. Collection method: clinical testing. Allele origin: germline. Affected: yes.
Comment: In silico analysis indicates that this missense variant does not alter protein structure/function; Has not been previously published as pathogenic or benign to our knowledge

NM_000346.4(SOX9):c.1036C>T (p.Pro346Ser)

Gene: SOX9 (SRY-box transcription factor 9; plus strand). Cytogenetic location: 17q24.3.
Variant type: single nucleotide variant.
Coding change: c.1036C>T on transcript NM_000346.4 (MANE Select); coding-DNA position 1036, C replaced by T.
Protein change: p.Pro346Ser; replaces proline 346 with serine.
Molecular consequence: missense variant.
Genome position (GRCh38, 1-based): chr17:72,123,893, C>T. VCF-style: chr17-72123893-C-T. GRCh37 (hg19) VCF-style: chr17-70120034-C-T.
Other names: short protein forms P346S.
Identifiers: ClinVar variation 4278851 (VCV004278851.1).